The following is an entry in ClinVar:

ClinVar aggregate classification (germline): Pathogenic (1 of 4 stars; one submission).

Conditions:
Alport syndrome. Also called: Hemorrhagic familial nephritis; Hemorrhagic hereditary nephritis; Congenital hereditary hematuria. Identifiers: Orphanet 63, MedGen C1567741, MONDO:0018965.

Submission:

Myriad Genetics, Inc.
Classification: Pathogenic for Alport syndrome. Last evaluated: 2024-05-04. Review status: criteria provided, single submitter. Criteria: Myriad Autosomal Dominant, Autosomal Recessive and X-Linked Classification Criteria (2023). Collection method: clinical testing. Allele origin: unknown.
Comment: NM_000092.4(COL4A4):c.4495C>T(Q1499*) is expected to be pathogenic in the context of Alport syndrome, COL4A4-related. This variant is predicted to lead to an abnormal or absent protein product due to the creation of a premature termination codon in COL4A4, a gene where loss-of-function variants are known to be pathogenic. Please note: this variant was assessed in the context of healthy population screening.

NM_000092.5(COL4A4):c.4495C>T (p.Gln1499Ter)

Gene: COL4A4 (collagen type IV alpha 4 chain; minus strand). Cytogenetic location: 2q36.3.
Variant type: single nucleotide variant.
Coding change: c.4495C>T on transcript NM_000092.5 (MANE Select); coding-DNA position 4495, C replaced by T.
Protein change: p.Gln1499Ter; replaces glutamine 1499 with a stop codon.
Molecular consequence: nonsense.
Genome position (GRCh38, 1-based): chr2:227,010,340, G>A on the plus strand (C>T on the coding strand, the complement: COL4A4 is on the minus strand). VCF-style: chr2-227010340-G-A. GRCh37 (hg19) VCF-style: chr2-227875056-G-A.
Other names: short protein forms Q1499*.
Identifiers: ClinVar variation 5013004 (VCV005013004.1).